The following is an entry in ClinVar:

ClinVar aggregate classification (germline): Benign/Likely benign. Review status: criteria provided, multiple submitters, no conflicts (2 of 4 stars). 4 submissions from 4 submitters: Benign (2); Likely benign (2). Last evaluated 2026-02-02.

Allele frequency attached by ClinVar (database versions not stated): gnomAD exomes 0.00055 and 0.00104; ExAC 0.00117; ESP Exome Variant Server 0.00300; gnomAD 0.00337 and 0.00359; 1000 Genomes Project 0.00359; 1000 Genomes Project 30x 0.00359; TOPMed 0.00382.
gnomAD v4.1: 1,371 of 1,600,570 alleles (0.086%); highest among the groups gnomAD compares: African/African-American, 1%; 6 homozygotes.

Submissions (4):

Labcorp Genetics (formerly Invitae), Labcorp
Classification: Benign. Last evaluated: 2026-02-02. Review status: criteria provided, single submitter. Criteria: Invitae Variant Classification Sherloc (09022015). Collection method: clinical testing. Allele origin: germline.

CeGaT Center for Human Genetics Tuebingen
Classification: Likely benign. Last evaluated: 2025-07-01. Review status: criteria provided, single submitter. Criteria: CeGaT Center For Human Genetics Tuebingen Variant Classification Criteria Version 2. Collection method: clinical testing. Allele origin: germline. Affected: yes. Observed: 1 variant allele.
Comment: CCDC88A: BP4, BP7, BS1

Blueprint Genetics
Classification: Likely benign. Last evaluated: 2024-11-11. Review status: criteria provided, single submitter. Criteria: ACMG Guidelines, 2015. Collection method: clinical testing. Allele origin: germline.

Breakthrough Genomics
Classification: Benign. Review status: criteria provided, single submitter. Criteria: ACMG Guidelines, 2015. Collection method: not provided. Allele origin: germline. Inheritance: Autosomal recessive inheritance. Affected: yes.

NM_001365480.1(CCDC88A):c.1029G>A (p.Lys343=)

Gene: CCDC88A (coiled-coil and HOOK domain protein 88A; minus strand). Cytogenetic location: 2p16.1.
Variant type: single nucleotide variant.
Coding change: c.1029G>A on transcript NM_001365480.1 (MANE Select); coding-DNA position 1029, G replaced by A.
Protein change: p.Lys343=; no amino-acid change (lysine 343 retained).
Molecular consequence: synonymous variant.
Genome position (GRCh38, 1-based): chr2:55,346,187, C>T on the plus strand (G>A on the coding strand, the complement: CCDC88A is on the minus strand). VCF-style: chr2-55346187-C-T. GRCh37 (hg19) VCF-style: chr2-55573323-C-T.
Other names: c.1029G>A, p.Lys343= (NM_001135597.2, NM_001254943.2, NM_018084.5).
Identifiers: ClinVar variation 730855 (VCV000730855.21), dbSNP rs113785488, ClinGen allele CA1666236.